The following is an entry in ClinVar:

NM_001845.6(COL4A1):c.4640+7C>T

Gene: COL4A1 (collagen type IV alpha 1 chain; minus strand). Cytogenetic location: 13q34.
Variant type: single nucleotide variant.
Coding change: c.4640+7C>T on transcript NM_001845.6 (MANE Select); 7 bases into the intron after coding-DNA position 4640, C replaced by T.
Molecular consequence: intron variant.
Genome position (GRCh38, 1-based): chr13:110,161,185, G>A on the plus strand (C>T on the coding strand, the complement: COL4A1 is on the minus strand). VCF-style: chr13-110161185-G-A. GRCh37 (hg19) VCF-style: chr13-110813532-G-A.
Other names: p.?.
Identifiers: ClinVar variation 258257 (VCV000258257.25), dbSNP rs2275843, ClinGen allele CA7046881.

ClinVar aggregate classification (germline): Benign. Review status: criteria provided, multiple submitters, no conflicts (2 of 4 stars). 11 submissions from 10 submitters: Benign (9). 2 of the submissions do not count toward it. Last evaluated 2026-02-04.

Conditions:
Autosomal dominant familial hematuria-retinal arteriolar tortuosity-contractures syndrome. Also called: Angiopathy, hereditary, with nephropathy, aneurysms, and muscle cramps; Hereditary Angiopathy with Nephropathy, Aneurysms, and Muscle Cramps (HANAC) Syndrome. Identifiers: Orphanet 73229, MedGen C2673195, MONDO:0012726, OMIM 611773.
Brain small vessel disease 1 with or without ocular anomalies (BSVD1). Also called: BRAIN SMALL VESSEL DISEASE WITH HEMORRHAGE; PORENCEPHALY, TYPE 1, AUTOSOMAL DOMINANT; GOULD SYNDROME 1; Brain small vessel disease with or without ocular anomalies. Identifiers: Orphanet 2940, Orphanet 36383, Orphanet 99810, MedGen C4755307, MONDO:0008289, OMIM 175780.

Allele frequency attached by ClinVar (database versions not stated): ESP Exome Variant Server 0.14678; gnomAD 0.14797 and 0.15233; TOPMed 0.15744; gnomAD exomes 0.16114 and 0.16667; ExAC 0.16434; 1000 Genomes Project 30x 0.18910; 1000 Genomes Project 0.19289.
gnomAD v4.1: 259,142 of 1,611,832 alleles (16%); highest among the groups gnomAD compares: East Asian, 31%; 21,864 homozygotes.

Submissions (11):

Labcorp Genetics (formerly Invitae), Labcorp
Classification: Benign. Last evaluated: 2026-02-04. Review status: criteria provided, single submitter. Criteria: Invitae Variant Classification Sherloc (09022015). Collection method: clinical testing. Allele origin: germline.

Blueprint Genetics
Classification: Benign. Last evaluated: 2024-11-27. Review status: criteria provided, single submitter. Criteria: ACMG Guidelines, 2015. Collection method: clinical testing. Allele origin: germline.

Mayo Clinic Laboratories, Mayo Clinic
Classification: Benign. Last evaluated: 2022-04-26. Review status: criteria provided, single submitter. Criteria: ACMG Guidelines, 2015. Collection method: clinical testing. Allele origin: germline. Observed: 391 variant alleles.

GeneDx
Classification: Benign. Last evaluated: 2018-07-07. Review status: criteria provided, single submitter. Criteria: GeneDx Variant Classification Process June 2021. Collection method: clinical testing. Allele origin: germline. Affected: yes.

Illumina Laboratory Services, Illumina
Classification: Benign for Brain small vessel disease 1 with or without ocular anomalies. Last evaluated: 2018-01-12. Review status: criteria provided, single submitter. Criteria: ICSL Variant Classification Criteria 13 December 2019. Collection method: clinical testing. Allele origin: germline.
Comment: This variant was observed in the ICSL laboratory as part of a predisposition screen in an ostensibly healthy population. It had not been previously curated by ICSL or reported in the Human Gene Mutation Database (HGMD: prior to June 1st, 2018), and was therefore a candidate for classification through an automated scoring system. Utilizing variant allele frequency, disease prevalence and penetrance estimates, and inheritance mode, an automated score was calculated to assess if this variant is too frequent to cause the disease. Based on the score and internal cut-off values, a variant classified as benign is not then subjected to further curation. The score for this variant resulted in a classification of benign for this disease.

Illumina Laboratory Services, Illumina
Classification: Benign for Autosomal dominant familial hematuria-retinal arteriolar tortuosity-contractures syndrome. Last evaluated: 2018-01-12. Review status: criteria provided, single submitter. Criteria: ICSL Variant Classification Criteria 13 December 2019. Collection method: clinical testing. Allele origin: germline.
Comment: the same text as in the submission from Illumina Laboratory Services, Illumina above.

Athena Diagnostics
Classification: Benign for Brain small vessel disease 1 with or without ocular anomalies. Last evaluated: 2017-06-01. Review status: criteria provided, single submitter. Criteria: Athena Diagnostics Criteria. Collection method: clinical testing. Allele origin: germline.

Breakthrough Genomics
Classification: Benign. Review status: criteria provided, single submitter. Criteria: ACMG Guidelines, 2015. Collection method: not provided. Allele origin: germline. Inheritance: Autosomal dominant inheritance. Affected: yes.

PreventionGenetics, part of Exact Sciences
Classification: Benign. Review status: criteria provided, single submitter. Criteria: ACMG Guidelines, 2015. Collection method: clinical testing. Allele origin: germline.

Clinical Genetics DNA and cytogenetics Diagnostics Lab, Erasmus MC, Erasmus Medical Center
Classification: Benign. Review status: no assertion criteria provided. Collection method: clinical testing. Allele origin: germline. Affected: yes. Study: VKGL Data-share Consensus. Not counted in ClinVar's aggregate classification.

Diagnostic Laboratory, Department of Genetics, University Medical Center Groningen
Classification: Benign. Review status: no assertion criteria provided. Collection method: clinical testing. Allele origin: germline. Affected: yes. Study: VKGL Data-share Consensus. Not counted in ClinVar's aggregate classification.